The following is an entry in ClinVar:

ClinVar aggregate classification (germline): Likely pathogenic (1 of 4 stars; one submission).

Conditions:
Early-infantile DEE. Also called: Early infantile epileptic encephalopathy with suppression bursts; Early infantile epileptic encephalopathy; Ohtahara syndrome. Identifiers: Orphanet 1934, MedGen C0393706, MONDO:0800491.

Submission:

Labcorp Genetics (formerly Invitae), Labcorp
Classification: Likely pathogenic for Early-infantile DEE. Last evaluated: 2021-07-21. Review status: criteria provided, single submitter. Criteria: Invitae Variant Classification Sherloc (09022015). Collection method: clinical testing. Allele origin: germline.
Comment: In summary, the currently available evidence indicates that the variant is pathogenic, but additional data are needed to prove that conclusively. Therefore, this variant has been classified as Likely Pathogenic. Algorithms developed to predict the effect of sequence changes on RNA splicing suggest that this variant may disrupt the consensus splice site. This variant has not been reported in the literature in individuals affected with ST3GAL3-related conditions. This variant is not present in population databases (ExAC no frequency). This sequence change affects a donor splice site in intron 2 of the ST3GAL3 gene. It is expected to disrupt RNA splicing. Variants that disrupt the donor or acceptor splice site typically lead to a loss of protein function (PMID: 16199547), and loss-of-function variants in ST3GAL3 are known to be pathogenic (PMID: 31584066).

Literature cited by the submitters: PubMed 16199547; PubMed 31584066.

NM_006279.5(ST3GAL3):c.118+1G>A

Gene: ST3GAL3 (ST3 beta-galactoside alpha-2,3-sialyltransferase 3; plus strand). Cytogenetic location: 1p34.1.
Variant type: single nucleotide variant.
Coding change: c.118+1G>A on transcript NM_006279.5 (MANE Select); the canonical splice donor site of the intron after coding-DNA position 118, G replaced by A.
Molecular consequence: splice donor variant. On other transcripts: missense variant (6).
Genome position (GRCh38, 1-based): chr1:43,736,381, G>A. VCF-style: chr1-43736381-G-A. GRCh37 (hg19) VCF-style: chr1-44202052-G-A.
Other names: c.119G>A, p.Ser40Asn (NM_001270463.3, NM_001270465.3, NM_001350619.2 and 3 more transcripts); c.118+1G>A (NM_174968.5, NM_001363573.2, NM_001350620.2 and 12 more transcripts); c.-336+1G>A (NM_001350621.2); short protein forms S40N.
Identifiers: ClinVar variation 1477582 (VCV001477582.7), dbSNP rs2154091891, ClinGen allele CA340031006.